The following is an entry in ClinVar:

ClinVar aggregate classification (germline): Uncertain significance (1 of 4 stars; one submission).

Submission:

GeneDx
Classification: Uncertain significance. Last evaluated: 2023-04-04. Review status: criteria provided, single submitter. Criteria: GeneDx Variant Classification Process June 2021. Collection method: clinical testing. Allele origin: germline. Affected: yes.
Comment: Not observed at significant frequency in large population cohorts (gnomAD); In silico analysis supports that this missense variant has a deleterious effect on protein structure/function; Has not been previously published as pathogenic or benign to our knowledge

NM_001733.7(C1R):c.653T>C (p.Leu218Pro)

Gene: C1R (complement C1r; minus strand). Cytogenetic location: 12p13.31.
Variant type: single nucleotide variant.
Coding change: c.653T>C on transcript NM_001733.7 (MANE Select); coding-DNA position 653, T replaced by C.
Protein change: p.Leu218Pro; replaces leucine 218 with proline.
Molecular consequence: missense variant.
Genome position (GRCh38, 1-based): chr12:7,089,408, A>G on the plus strand (T>C on the coding strand, the complement: C1R is on the minus strand). VCF-style: chr12-7089408-A-G. GRCh37 (hg19) VCF-style: chr12-7242004-A-G.
Other names: c.695T>C, p.Leu232Pro (NM_001354346.2); short protein forms L218P, L232P.
Identifiers: ClinVar variation 2663742 (VCV002663742.1), dbSNP rs2539628210, ClinGen allele CA383725766.